The following is an entry in ClinVar:

NM_002778.4(PSAP):c.1467G>T (p.Leu489Phe)

Gene: PSAP (prosaposin; minus strand). Cytogenetic location: 10q22.1.
Variant type: single nucleotide variant.
Coding change: c.1467G>T on transcript NM_002778.4 (MANE Select); coding-DNA position 1467, G replaced by T.
Protein change: p.Leu489Phe; replaces leucine 489 with phenylalanine.
Molecular consequence: missense variant.
Genome position (GRCh38, 1-based): chr10:71,818,689, C>A on the plus strand (G>T on the coding strand, the complement: PSAP is on the minus strand). VCF-style: chr10-71818689-C-A. GRCh37 (hg19) VCF-style: chr10-73578446-C-A.
Other names: c.1476G>T, p.Leu492Phe (NM_001042465.3); c.1473G>T, p.Leu491Phe (NM_001042466.3); short protein forms L489F, L491F, L492F.
Identifiers: ClinVar variation 2682423 (VCV002682423.1), dbSNP rs562519282, ClinGen allele CA209452885.
Genomic context (GRCh38, chr10:71,818,689, plus strand): 5'-TGCTGTCTCTGTGTTCTGGCACCAGTAGCTTGGGCCCCATATACACTTCTCAGTTCCCAA[C>A]AAGGGCTTATGGGCCGAGGGGCAGGCTCCAATTTTCTATATGGTGAGAAAAGGAAAGAAG-3'
Protein context (NP_002769.1, residues 479-499): IGACPSAHKP[Leu489Phe]LGTEKCIWGP

ClinVar aggregate classification (germline): Uncertain significance (1 of 4 stars; one submission).

gnomAD v4.1: 5 of 1,614,168 alleles (0.00031%); highest among the groups gnomAD compares: South Asian, 0.0011%; no homozygotes.

Submission:

Women's Health and Genetics/Laboratory Corporation of America, LabCorp
Classification: Uncertain significance. Last evaluated: 2023-11-09. Review status: criteria provided, single submitter. Criteria: LabCorp Variant Classification Summary - May 2015. Collection method: clinical testing. Allele origin: germline.
Comment: Variant summary: PSAP c.1467G>T (p.Leu489Phe) results in a non-conservative amino acid change located in the Saposin A-type domain (IPR003119) of the encoded protein sequence. Four of five in-silico tools predict a damaging effect of the variant on protein function. The variant allele was found at a frequency of 4e-06 in 251466 control chromosomes (gnomAD). The available data on variant occurrences in the general population are insufficient to allow any conclusion about variant significance. To our knowledge, no occurrence of c.1467G>T in individuals affected with Metachromatic Leukodystrophy and no experimental evidence demonstrating its impact on protein function have been reported. No submitters have reported clinical-significance assessments for this variant to ClinVar after 2014. Based on the evidence outlined above, the variant was classified as uncertain significance.